The following is an entry in ClinVar:

ClinVar aggregate classification (germline): Uncertain significance (1 of 4 stars; one submission).

Conditions:
Joubert syndrome. Also called: CEREBELLOPARENCHYMAL DISORDER IV; JOUBERT-BOLTSHAUSER SYNDROME; Familial aplasia of the vermis. Identifiers: Orphanet 475, MedGen C5979921, MONDO:0018772.
Meckel-Gruber syndrome. Also called: DYSENCEPHALIA SPLANCHNOCYSTICA; GRUBER SYNDROME; Dysencephalia splachnocystica. Identifiers: Orphanet 564, MedGen C0265215, MONDO:0018921.

Allele frequency attached by ClinVar (database versions not stated): gnomAD exomes below 0.00001; ExAC 0.00001.

Submission:

Labcorp Genetics (formerly Invitae), Labcorp
Classification: Uncertain significance for Joubert syndrome; Meckel-Gruber syndrome. Last evaluated: 2022-08-20. Review status: criteria provided, single submitter. Criteria: Invitae Variant Classification Sherloc (09022015). Collection method: clinical testing. Allele origin: germline.
Comment: In summary, the available evidence is currently insufficient to determine the role of this variant in disease. Therefore, it has been classified as a Variant of Uncertain Significance. Algorithms developed to predict the effect of missense changes on protein structure and function are either unavailable or do not agree on the potential impact of this missense change (SIFT: "Tolerated"; PolyPhen-2: "Possibly Damaging"; Align-GVGD: "Class C0"). This variant has not been reported in the literature in individuals affected with TCTN2-related conditions. This variant is present in population databases (rs749377512, gnomAD 0.003%). This sequence change replaces asparagine, which is neutral and polar, with serine, which is neutral and polar, at codon 174 of the TCTN2 protein (p.Asn174Ser).

NM_024809.5(TCTN2):c.521A>G (p.Asn174Ser)

Gene: TCTN2 (tectonic family member 2; plus strand). Cytogenetic location: 12q24.31.
Variant type: single nucleotide variant.
Coding change: c.521A>G on transcript NM_024809.5 (MANE Select); coding-DNA position 521, A replaced by G.
Protein change: p.Asn174Ser; replaces asparagine 174 with serine.
Molecular consequence: missense variant.
Genome position (GRCh38, 1-based): chr12:123,679,246, A>G. VCF-style: chr12-123679246-A-G. GRCh37 (hg19) VCF-style: chr12-124163793-A-G.
Other names: c.521A>G, p.Asn174Ser (NM_001410989.1); c.518A>G, p.Asn173Ser (NM_001143850.3); short protein forms N173S, N174S.
Identifiers: ClinVar variation 2080442 (VCV002080442.4), dbSNP rs749377512, ClinGen allele CA6860912.